The following is an entry in ClinVar:

ClinVar aggregate classification (germline): Uncertain significance (1 of 4 stars; one submission).

Conditions:
Fanconi anemia (FA). Also called: Fanconi's anemia. Identifiers: Orphanet 84, MedGen C0015625, MeSH D005199, MONDO:0019391.

gnomAD v4.1: 3 of 1,614,138 alleles (0.00019%); highest among the groups gnomAD compares: Non-Finnish European, 0.00025%; no homozygotes.

Submission:

Labcorp Genetics (formerly Invitae), Labcorp
Classification: Uncertain significance for Fanconi anemia. Last evaluated: 2021-01-28. Review status: criteria provided, single submitter. Criteria: Invitae Variant Classification Sherloc (09022015). Collection method: clinical testing. Allele origin: germline.
Comment: This variant is not present in population databases (ExAC no frequency). This variant has not been reported in the literature in individuals with SLX4-related conditions. Algorithms developed to predict the effect of missense changes on protein structure and function output the following: SIFT: "Tolerated"; PolyPhen-2: "Benign"; Align-GVGD: "Class C0". The glutamine amino acid residue is found in multiple mammalian species, suggesting that this missense change does not adversely affect protein function. These predictions have not been confirmed by published functional studies and their clinical significance is uncertain. In summary, the available evidence is currently insufficient to determine the role of this variant in disease. Therefore, it has been classified as a Variant of Uncertain Significance. This sequence change replaces glutamic acid with glutamine at codon 910 of the SLX4 protein (p.Glu910Gln). The glutamic acid residue is weakly conserved and there is a small physicochemical difference between glutamic acid and glutamine.

NM_032444.4(SLX4):c.2728G>C (p.Glu910Gln)

Gene: SLX4 (SLX4 structure-specific endonuclease subunit; minus strand). Cytogenetic location: 16p13.3.
Variant type: single nucleotide variant.
Coding change: c.2728G>C on transcript NM_032444.4 (MANE Select); coding-DNA position 2728, G replaced by C.
Protein change: p.Glu910Gln; replaces glutamic acid 910 with glutamine.
Molecular consequence: missense variant.
Genome position (GRCh38, 1-based): chr16:3,590,910, C>G on the plus strand (G>C on the coding strand, the complement: SLX4 is on the minus strand). VCF-style: chr16-3590910-C-G. GRCh37 (hg19) VCF-style: chr16-3640911-C-G.
Other names: short protein forms E910Q.
Identifiers: ClinVar variation 1464831 (VCV001464831.8), dbSNP rs2151125290, ClinGen allele CA394523075.
Genomic context (GRCh38, chr16:3,590,910, plus strand): 5'-GCGGGAGAGCGCACTGTCCCATCTTCTCCCAGGTGGTGGCGGCCTCATCTCTTCCTGGCT[C>G]CAACGGCTCCATCTCCTCCACCTTGTCCCACTGTTTCTGCACCTGGACACCTGCTAGGAG-3'
Protein context (NP_115820.2, residues 900-920): WDKVEEMEPL[Glu910Gln]PGRDEAATTW